The following is an entry in ClinVar:

ClinVar aggregate classification (germline): Pathogenic (1 of 4 stars; one submission).

Allele frequency attached by ClinVar (database versions not stated): TOPMed below 0.00001; gnomAD 0.00001.
gnomAD v4.1: 15 of 1,613,838 alleles (0.00093%); highest among the groups gnomAD compares: African/African-American, 0.0013%; no homozygotes.

Submission:

Labcorp Genetics (formerly Invitae), Labcorp
Classification: Pathogenic. Last evaluated: 2023-12-03. Review status: criteria provided, single submitter. Criteria: Invitae Variant Classification Sherloc (09022015). Collection method: clinical testing. Allele origin: germline.
Comment: This sequence change creates a premature translational stop signal (p.Lys553*) in the ERCC6 gene. It is expected to result in an absent or disrupted protein product. Loss-of-function variants in ERCC6 are known to be pathogenic (PMID: 18628313, 29572252). This variant is not present in population databases (gnomAD no frequency). This variant has not been reported in the literature in individuals affected with ERCC6-related conditions. ClinVar contains an entry for this variant (Variation ID: 851401). Algorithms developed to predict the effect of sequence changes on RNA splicing suggest that this variant may disrupt the consensus splice site. For these reasons, this variant has been classified as Pathogenic.

Literature cited by the submitters: PubMed 18628313; PubMed 29572252.

NM_000124.4(ERCC6):c.1657A>T (p.Lys553Ter)

Gene: ERCC6 (ERCC excision repair 6, chromatin remodeling factor; minus strand). Cytogenetic location: 10q11.23.
Variant type: single nucleotide variant.
Coding change: c.1657A>T on transcript NM_000124.4 (MANE Select); coding-DNA position 1657, A replaced by T.
Protein change: p.Lys553Ter; replaces lysine 553 with a stop codon.
Molecular consequence: nonsense.
Genome position (GRCh38, 1-based): chr10:49,500,566, T>A on the plus strand (A>T on the coding strand, the complement: ERCC6 is on the minus strand). VCF-style: chr10-49500566-T-A. GRCh37 (hg19) VCF-style: chr10-50708612-T-A.
Other names: c.1657A>T, p.Lys553Ter (NM_001346440.2); short protein forms K553*.
Identifiers: ClinVar variation 851401 (VCV000851401.8), dbSNP rs1851339301, ClinGen allele CA376728659.